The following is an entry in ClinVar:

ClinVar aggregate classification (germline): Benign (1 of 4 stars; one submission).

Conditions:
Acyl-CoA oxidase deficiency. Also called: STRAIGHT-CHAIN ACYL-CoA OXIDASE DEFICIENCY; Pseudoneonatal adrenoleukodystrophy; Peroxisomal acyl-CoA oxidase deficiency. Identifiers: Orphanet 2971, MedGen C1849678, MONDO:0009919, OMIM 264470. Disease mechanism: loss of function.

Allele frequency attached by ClinVar (database versions not stated): TOPMed 0.00430; gnomAD 0.00432 and 0.00434; 1000 Genomes Project 30x 0.00750; 1000 Genomes Project 0.00759.

Submission:

Illumina Laboratory Services, Illumina
Classification: Benign for Acyl-CoA oxidase deficiency. Last evaluated: 2017-04-27. Review status: criteria provided, single submitter. Criteria: ICSL Variant Classification Criteria 13 December 2019. Collection method: clinical testing. Allele origin: germline.
Comment: This variant was observed as part of a predisposition screen in an ostensibly healthy population. A literature search was performed for the gene, cDNA change, and amino acid change (where applicable). No publications were found based on this search. Allele frequency data from public databases was too high to be consistent with this variant causing disease. Therefore, this variant is classified as benign.

NM_004035.7(ACOX1):c.*2977C>T

Gene: ACOX1 (acyl-CoA oxidase 1; minus strand). Cytogenetic location: 17q25.1.
Variant type: single nucleotide variant.
Coding change: c.*2977C>T on transcript NM_004035.7 (MANE Select); 2977 bases downstream of the stop codon, C replaced by T.
Molecular consequence: 3 prime UTR variant.
Genome position (GRCh38, 1-based): chr17:75,943,771, G>A on the plus strand (C>T on the coding strand, the complement: ACOX1 is on the minus strand). VCF-style: chr17-75943771-G-A. GRCh37 (hg19) VCF-style: chr17-73939852-G-A.
Other names: c.*2977C>T (NM_001185039.2, NM_007292.6).
Identifiers: ClinVar variation 890143 (VCV000890143.4), dbSNP rs73997670, ClinGen allele CA294104447.